The following is an entry in ClinVar:

NM_000317.3(PTS):c.164-37dup

Gene: PTS (6-pyruvoyltetrahydropterin synthase; plus strand). Cytogenetic location: 11q23.1.
Variant type: Duplication.
Coding change: c.164-37dup on transcript NM_000317.3 (MANE Select); 37 bases into the intron before coding-DNA position 164, one base duplicated (C; older notation c.164-37dupC).
Molecular consequence: intron variant.
Genome position (GRCh38, 1-based): chr11:112,230,171, C duplicated. VCF-style (leftmost placement, unchanged base first): chr11-112230170-T-TC. GRCh37 (hg19) VCF-style: chr11-112100893-T-TC.
Identifiers: ClinVar variation 2098756 (VCV002098756.1), dbSNP rs1478426886, ClinGen allele CA601757790.

ClinVar aggregate classification (germline): Uncertain significance (1 of 4 stars; one submission).

Conditions:
6-Pyruvoyl-tetrahydrobiopterin synthase deficiency. Also called: 6-Pyruvoyltetrahydropterin Synthase Deficiency; HYPERPHENYLALANINEMIA, TETRAHYDROBIOPTERIN-DEFICIENT, DUE TO PTS DEFICIENCY; PTS-Related Tetrahydrobiopterin Deficiency; PTS DEFICIENCY; Hyperphenylalanemia, BH4-deficient, A; Hyperphenylalaninemia due to 6-pyruvoyl-tetrahydropterin synthase deficiency. Identifiers: Orphanet 13, Orphanet 238583, MedGen C0878676, MONDO:0009863, OMIM 261640.

Allele frequency attached by ClinVar (database versions not stated): gnomAD exomes below 0.00001; gnomAD 0.00001; TOPMed 0.00002.

Submission:

Labcorp Genetics (formerly Invitae), Labcorp
Classification: Uncertain significance for 6-Pyruvoyl-tetrahydrobiopterin synthase deficiency. Last evaluated: 2022-04-13. Review status: criteria provided, single submitter. Criteria: Invitae Variant Classification Sherloc (09022015). Collection method: clinical testing. Allele origin: germline.
Comment: This sequence change falls in intron 2 of the PTS gene. It does not directly change the encoded amino acid sequence of the PTS protein. This variant is present in population databases (no rsID available, gnomAD 0.0009%). This variant has been observed in individual(s) with 6-pyruvoyl-tetrahydropterin synthase (PTPS) deficiency (PMID: 33234470). Algorithms developed to predict the effect of sequence changes on RNA splicing suggest that this variant may disrupt the consensus splice site. In summary, the available evidence is currently insufficient to determine the role of this variant in disease. Therefore, it has been classified as a Variant of Uncertain Significance.

Literature cited by the submitters: PubMed 33234470.